The following is an entry in ClinVar:

ClinVar aggregate classification (germline): Uncertain significance (1 of 4 stars; one submission).

Conditions:
Charcot-Marie-Tooth disease axonal type 2P. Also called: Charcot-Marie-Tooth Neuropathy Type 2G; CHARCOT-MARIE-TOOTH DISEASE, AXONAL, TYPE 2G; CMT 2G; CHARCOT-MARIE-TOOTH NEUROPATHY, TYPE 2P. Identifiers: Orphanet 300319, Orphanet 99941, MedGen C3280797, MONDO:0013753, OMIM 614436.

Allele frequency attached by ClinVar (database versions not stated): gnomAD exomes below 0.00001.
gnomAD v4.1: 4 of 1,614,118 alleles (0.00025%); highest among the groups gnomAD compares: Non-Finnish European, 0.00034%; no homozygotes.

Submission:

Labcorp Genetics (formerly Invitae), Labcorp
Classification: Uncertain significance for Charcot-Marie-Tooth disease axonal type 2P. Last evaluated: 2022-06-23. Review status: criteria provided, single submitter. Criteria: Invitae Variant Classification Sherloc (09022015). Collection method: clinical testing. Allele origin: germline.
Comment: This sequence change replaces phenylalanine, which is neutral and non-polar, with leucine, which is neutral and non-polar, at codon 5 of the LRSAM1 protein (p.Phe5Leu). In summary, the available evidence is currently insufficient to determine the role of this variant in disease. Therefore, it has been classified as a Variant of Uncertain Significance. Algorithms developed to predict the effect of missense changes on protein structure and function are either unavailable or do not agree on the potential impact of this missense change (SIFT: "Deleterious"; PolyPhen-2: "Probably Damaging"; Align-GVGD: "Class C15"). ClinVar contains an entry for this variant (Variation ID: 653950). This variant has not been reported in the literature in individuals affected with LRSAM1-related conditions. This variant is not present in population databases (gnomAD no frequency).

NM_001005373.4(LRSAM1):c.13T>C (p.Phe5Leu)

Gene: LRSAM1 (leucine rich repeat and sterile alpha motif containing 1; plus strand). Cytogenetic location: 9q33.3.
Variant type: single nucleotide variant.
Coding change: c.13T>C on transcript NM_001005373.4 (MANE Select); coding-DNA position 13, T replaced by C.
Protein change: p.Phe5Leu; replaces phenylalanine 5 with leucine.
Molecular consequence: missense variant. On other transcripts: 5 prime UTR variant (1), non-coding transcript variant (2).
Genome position (GRCh38, 1-based): chr9:127,454,540, T>C. VCF-style: chr9-127454540-T-C. GRCh37 (hg19) VCF-style: chr9-130216819-T-C.
Other names: c.13T>C, p.Phe5Leu (NM_001005374.4, NM_001190723.3, NM_001384142.1 and 2 more transcripts); c.-772T>C (NM_001384144.1); short protein forms F5L.
Identifiers: ClinVar variation 653950 (VCV000653950.8), dbSNP rs201473713, ClinGen allele CA199851380.
Genomic context (GRCh38, chr9:127,454,540, plus strand): 5'-CTCTCCTGTGCCCCAGGGTCCTAAAGATCGCTCTGGGAAAAGGGAAGGATGCCGCTCTTC[T>C]TCCGGAAGCGGAAACCCAGTGAGGAGGCTCGGAAACGCCTGGAGTACCAGATGTGTTTGG-3'
Protein context (NP_001005373.1, residues 1-15): MPLF[Phe5Leu]RKRKPSEEAR